The following continues an entry in ClinVar:

NM_000112.4(SLC26A2):c.1957T>A (p.Cys653Ser)

Gene: SLC26A2. ClinVar aggregate classification (germline): Pathogenic/Likely pathogenic. Pathogenic (16); Likely pathogenic (6).

Submissions 13 to 27 of 27:

ARUP Laboratories, Molecular Genetics and Genomics, ARUP Laboratories
Classification: Pathogenic. Last evaluated: 2021-02-05. Review status: criteria provided, single submitter. Criteria: ARUP Molecular Germline Variant Investigation Process 2021. Collection method: clinical testing. Allele origin: germline.
Comment: The SLC26A2 c.1957T>A; p.Cys653Ser variant (rs104893924) is one of the most frequently found pathogenic SLC26A2 variants and has been described in the homozygous and compound heterozygous states in individuals with recessive multiple epiphyseal dysplasia (rMED) and diastrophic dysplasia (DTD; Czarny-Ratajczak 2010, Hinrichs 2010, Makitie 2003, Rossi 2001). It contains an entry in ClinVar (Variation ID: 4098) and is observed in the European (non-Finnish) population at an overall frequency of 0.027% (35/129008 alleles) in the Genome Aggregation Database. The cysteine at codon 653 is highly conserved and computational algorithms (PolyPhen-2, SIFT) predict that this variant is deleterious. In addition, functional in vitro studies of the variant protein demonstrate reduced protein expression and sulfate transport function when compared to wild type protein (Karniski 2004). Based on available information, this variant is considered pathogenic. REFERENCES Czarny-Ratajczak M et al. New intermediate phenotype between MED and DD caused by compound heterozygous mutations in the DTDST gene. Am J Med Genet A. 2010; 152A(12): 3036-3042. Hinrichs T et al. Recessive multiple epiphyseal dysplasia (rMED) with homozygosity for C653S mutation in the DTDST gene--phenotype, molecular diagnosis and surgical treatment of habitual dislocation of multilayered patella: case report. BMC Musculoskelet Disord. 2010;11:110. Karniski L. Functional expression and cellular distribution of diastrophic dysplasia sulfate transporter (DTDST) gene mutations in HEK cells. Hum Mol Genet. 2004; 13(19): 2165-2171. Makitie O et al. Autosomal recessive multiple epiphyseal dysplasia with homozygosity for C653S in the DTDST gene: double-layer patella as a reliable sign. Am J Med Genet A. 2003;122A(3): 187-192. Rossi A et al. Mutations in the diastrophic dysplasia sulfate transporter (DTDST) gene (SLC26A2): 22 novel mutations, mutation review, associated skeletal phenotypes, and diagnostic relevance. Hum Mutat. 2001; 17(3): 159-171.

Institute of Human Genetics, University of Leipzig Medical Center
Classification: Likely pathogenic for Diastrophic dysplasia. Last evaluated: 2020-11-09. Review status: criteria provided, single submitter. Criteria: ACMG Guidelines, 2015. Collection method: clinical testing. Allele origin: paternal. Affected: yes.

Genome Diagnostics Laboratory, The Hospital for Sick Children
Classification: Pathogenic for Connective tissue disorder. Last evaluated: 2020-03-01. Review status: criteria provided, single submitter. Criteria: ACMG Guidelines, 2015. Collection method: clinical testing. Allele origin: germline.

Myriad Genetics, Inc.
Classification: Likely pathogenic for Diastrophic dysplasia. Last evaluated: 2019-12-24. Review status: criteria provided, single submitter. Criteria: Myriad Women's Health Autosomal Recessive and X-Linked Classification Criteria (2019). Collection method: clinical testing. Allele origin: unknown.
Comment: NM_000112.3(SLC26A2):c.1957T>A(C653S) is classified as likely pathogenic in the context of SLC26A2-related disorders and is associated with autosomal recessive multiple epiphyseal dysplasia. Sources cited for classification include the following: PMID 21922596, 20525296, 12966518, 21077204, 15294877, 11448940, 11241838, and 12525546. Classification of NM_000112.3(SLC26A2):c.1957T>A(C653S) is based on the following criteria: This variant has been observed more frequently in patients with clinical diagnoses than in healthy populations. Please note: this variant was assessed in the context of healthy population screening.

Myriad Genetics, Inc.
Classification: Likely pathogenic for 3MC syndrome 2. Last evaluated: 2019-12-24. Review status: criteria provided, single submitter. Criteria: Myriad Women's Health Autosomal Recessive and X-Linked Classification Criteria (2019). Collection method: clinical testing. Allele origin: unknown.
Comment: the same text as in the submission from Myriad Genetics, Inc. above.

Myriad Genetics, Inc.
Classification: Likely pathogenic for Multiple epiphyseal dysplasia type 4. Last evaluated: 2019-12-24. Review status: criteria provided, single submitter. Criteria: Myriad Women's Health Autosomal Recessive and X-Linked Classification Criteria (2019). Collection method: clinical testing. Allele origin: unknown.
Comment: the same text as in the submission from Myriad Genetics, Inc. above.

Myriad Genetics, Inc.
Classification: Likely pathogenic for Achondrogenesis, type IB. Last evaluated: 2019-12-24. Review status: criteria provided, single submitter. Criteria: Myriad Women's Health Autosomal Recessive and X-Linked Classification Criteria (2019). Collection method: clinical testing. Allele origin: unknown.
Comment: the same text as in the submission from Myriad Genetics, Inc. above.

Women's Health and Genetics/Laboratory Corporation of America, LabCorp
Classification: Pathogenic for Osteochondrodysplasia. Last evaluated: 2018-06-07. Review status: criteria provided, single submitter. Criteria: LabCorp Variant Classification Summary - May 2015. Collection method: clinical testing. Allele origin: germline.
Comment: Variant summary: SLC26A2 c.1957T>A (p.Cys653Ser) results in a non-conservative amino acid change located in the STAS domain of the encoded protein sequence. Five of five in-silico tools predict a damaging effect of the variant on protein function. The variant allele was found at a frequency of 0.00013 in 276994 control chromosomes (gnomAD). The variant, c.1957T>A, has been reported in the literature in multiple homozygote and compound heterozygote individuals affected with recessive Multiple epiphyseal dysplasia (Ballhausen_2003, Jackson_2012). These data indicate that the variant is very likely to be associated with disease. A functional study, Karniski_2004, found the variant to have ~55% stimulated sulfate transport. Two ClinVar submissions from clinical diagnostic laboratories (evaluation after 2014) cite the variant as likely pathogenic. Based on the evidence outlined above, the variant was classified as pathogenic.

Eurofins Ntd Llc (ga)
Classification: Pathogenic. Last evaluated: 2014-10-14. Review status: criteria provided, single submitter. Criteria: EGL Classification Definitions 2015. Collection method: clinical testing. Allele origin: germline.

Center for Pediatric Genomic Medicine, Children's Mercy Hospital and Clinics
Classification: Pathogenic. Last evaluated: 2014-10-02. Review status: criteria provided, single submitter. Criteria: ACMG Guidelines, 2015. Collection method: clinical testing. Allele origin: germline.

PreventionGenetics, part of Exact Sciences
Classification: Pathogenic for SLC26A2-related condition. Last evaluated: 2024-03-23. Review status: no assertion criteria provided. Collection method: clinical testing. Allele origin: germline. Not counted in ClinVar's aggregate classification.
Comment: The SLC26A2 c.1957T>A variant is predicted to result in the amino acid substitution p.Cys653Ser. This variant has been documented to be causative for SLC26A2-related disorders (Makitie et al. 2003. PubMed ID: 12966518; Hinrichs et al. 2010. PubMed ID: 20525296; Czarny-Ratajczak et al. 2010. PubMed ID: 21077204). This variant is reported in 0.027% of alleles in individuals of European (Non-Finnish) descent in gnomAD. This variant is interpreted as pathogenic.

Division of Human Genetics, Children's Hospital of Philadelphia
Classification: Likely pathogenic for Atelosteogenesis type II; Multiple epiphyseal dysplasia type 4; Diastrophic dysplasia; Achondrogenesis, type IB. Last evaluated: 2016-08-13. Review status: no assertion criteria provided. Collection method: research. Allele origin: germline. Study: CSER-PediSeq. Not counted in ClinVar's aggregate classification.

Counsyl
Classification: Likely pathogenic for Atelosteogenesis type II. Last evaluated: 2016-03-11. Review status: no assertion criteria provided. Collection method: clinical testing. Allele origin: unknown. Not counted in ClinVar's aggregate classification.

OMIM
Classification: Pathogenic for EPIPHYSEAL DYSPLASIA, MULTIPLE, 4. Last evaluated: 2003-10-15. Review status: no assertion criteria provided. Collection method: literature only. Allele origin: germline. Not counted in ClinVar's aggregate classification.

GeneReviews
No classification provided. Condition: Diastrophic dysplasia. Review status: no classification provided. Collection method: literature only. Allele origin: unknown. Not counted in ClinVar's aggregate classification.

Literature cited by the submitters: PubMed 11241838 (cited by 6 submitters); PubMed 12966518 (cited by 6 submitters); PubMed 20525296 (cited by 6 submitters); PubMed 21077204 (cited by 6 submitters); PubMed 15294877 (cited by 7 submitters); PubMed 21922596 (cited by 5 submitters); PubMed 36140680 (cited by Natera, Inc.); PubMed 20301524 (cited by Dasa and GeneReviews); PubMed 11448940 (cited by 3 submitters); PubMed 7695699 (cited by Dasa); PubMed 8218237 (cited by Dasa); PubMed 19344236 (cited by Dasa); PubMed 12525546 (cited by 3 submitters); NCBI Bookshelf NBK1350 (cited by GeneReviews).